The following is an entry in ClinVar:

NM_000214.3(JAG1):c.1680C>A (p.Cys560Ter)

Gene: JAG1 (jagged canonical Notch ligand 1; minus strand). Cytogenetic location: 20p12.2.
Variant type: single nucleotide variant.
Coding change: c.1680C>A on transcript NM_000214.3 (MANE Select); coding-DNA position 1680, C replaced by A.
Protein change: p.Cys560Ter; replaces cysteine 560 with a stop codon.
Molecular consequence: nonsense.
Genome position (GRCh38, 1-based): chr20:10,648,000, G>T on the plus strand (C>A on the coding strand, the complement: JAG1 is on the minus strand). VCF-style: chr20-10648000-G-T. GRCh37 (hg19) VCF-style: chr20-10628648-G-T.
Other names: c.1680C>A, p.Cys560Ter (LRG_1191t1); short protein forms C560*.
Identifiers: ClinVar variation 280712 (VCV000280712.2), dbSNP rs886041868, ClinGen allele CA10603353.
Genomic context (GRCh38, chr20:10,648,000, plus strand): 5'-TCCCGGGAGAAGGGAGGTACCTTCACAGGGGGTCGTGCGGCAGTGGTCTTTCAGGTGTGA[G>T]CAGTTCTTGCCCTCATAGTCCTCGGGGCACTTGCAGAAATAGTCACTGGCACGGTTGTAG-3'

ClinVar aggregate classification (germline): Pathogenic (1 of 4 stars; one submission).

Submission:

GeneDx
Classification: Pathogenic. Last evaluated: 2016-07-05. Review status: criteria provided, single submitter. Criteria: GeneDx Variant Classification (06012015). Collection method: clinical testing. Allele origin: germline. Affected: yes.
Comment: The C560X pathogenic variant in the JAG1 gene has not been reported previously as a pathogenic variant nor as a benign variant, to our knowledge. This variant is predicted to cause loss of normal protein function either through protein truncation or nonsense-mediated mRNA decay. The C560X variant was not observed in approximately 6,500 individuals of European and African American ancestry in the NHLBI Exome Sequencing Project, indicating it is not a common benign variant in these populations. We interpret C560X as a pathogenic variant.